The following is an entry in ClinVar:

ClinVar aggregate classification (germline): Likely benign (1 of 4 stars; one submission).

Conditions:
LRRC45-related disorder. Also called: LRRC45-related condition.

gnomAD v4.1: 1 of 1,536,562 alleles (0.000065%); no homozygotes.

Submission:

PreventionGenetics, part of Exact Sciences
Classification: Likely benign for LRRC45-related condition. Last evaluated: 2025-02-24. Review status: criteria provided, single submitter. Criteria: ACMG Guidelines, 2015. Collection method: clinical testing. Allele origin: germline.
Comment: This variant is classified as likely benign based on ACMG/AMP sequence variant interpretation guidelines (Richards et al. 2015 PMID: 25741868, with internal and published modifications).

NM_144999.4(LRRC45):c.5A>T (p.Glu2Val)

Gene: LRRC45 (leucine rich repeat containing 45; plus strand). Cytogenetic location: 17q25.3.
Variant type: single nucleotide variant.
Coding change: c.5A>T on transcript NM_144999.4 (MANE Select); coding-DNA position 5, A replaced by T.
Protein change: p.Glu2Val; replaces glutamic acid 2 with valine.
Molecular consequence: missense variant.
Genome position (GRCh38, 1-based): chr17:82,023,648, A>T. VCF-style: chr17-82023648-A-T. GRCh37 (hg19) VCF-style: chr17-79981524-A-T.
Other names: short protein forms E2V.
Identifiers: ClinVar variation 5000533 (VCV005000533.1).
Genomic context (GRCh38, chr17:82,023,648, plus strand): 5'-CTCCCTTTCAGCAGCTGCGGGAGCATGCGGAGGAGGCCCTGCCGGCCCCGCGGGTCATGG[A>T]GGAGTTCCGGCGCTCCTACAGCCGCCTGTGCAGGGAGAGTGGGGCCGAGCCCCAGGAGGC-3'
Protein context (NP_659436.1, residues 1-12): M[Glu2Val]EFRRSYSRLC